The following is an entry in ClinVar:

ClinVar aggregate classification (germline): Uncertain significance (1 of 4 stars; one submission).

Conditions:
Autosomal recessive severe congenital neutropenia due to JAGN1 deficiency. Also called: Severe congenital neutropenia 6, autosomal recessive. Identifiers: Orphanet 423384, MedGen C4014954, MONDO:0014456, OMIM 616022.

Allele frequency attached by ClinVar (database versions not stated): ExAC 0.00001; gnomAD 0.00001; gnomAD exomes 0.00001.

Submission:

Labcorp Genetics (formerly Invitae), Labcorp
Classification: Uncertain significance for Autosomal recessive severe congenital neutropenia due to JAGN1 deficiency. Last evaluated: 2023-11-17. Review status: criteria provided, single submitter. Criteria: Invitae Variant Classification Sherloc (09022015). Collection method: clinical testing. Allele origin: germline.
Comment: This sequence change creates a premature translational stop signal (p.Leu87Glyfs*11) in the JAGN1 gene. While this is not anticipated to result in nonsense mediated decay, it is expected to disrupt the last 97 amino acid(s) of the JAGN1 protein. This variant is present in population databases (rs752414579, gnomAD 0.002%). This variant has not been reported in the literature in individuals affected with JAGN1-related conditions. ClinVar contains an entry for this variant (Variation ID: 2182816). Experimental studies and prediction algorithms are not available or were not evaluated, and the functional significance of this variant is currently unknown. In summary, the available evidence is currently insufficient to determine the role of this variant in disease. Therefore, it has been classified as a Variant of Uncertain Significance.

NM_032492.4(JAGN1):c.259_260del (p.Leu87fs)

Gene: JAGN1 (jagunal vesicle mediated transporter 1; plus strand). Cytogenetic location: 3p25.3.
Variant type: Deletion.
Coding change: c.259_260del on transcript NM_032492.4 (MANE Select); coding-DNA positions 259 to 260, 2 bases deleted (TT; older notation c.259_260delTT).
Protein change: p.Leu87fs; shifts the reading frame from leucine 87.
Molecular consequence: frameshift variant.
Genome position (GRCh38, 1-based): chr3:9,893,084-9,893,085, TT deleted. VCF-style (leftmost placement, unchanged base first): chr3-9893083-CTT-C. GRCh37 (hg19) VCF-style: chr3-9934767-CTT-C.
Other names: c.97_98del, p.Leu33fs (NM_001363890.1); short protein forms L33fs, L87fs.
Identifiers: ClinVar variation 2182816 (VCV002182816.4), dbSNP rs752414579, ClinGen allele CA2245853.